The following is an entry in ClinVar:

ClinVar aggregate classification (germline): Uncertain significance. Review status: criteria provided, multiple submitters, no conflicts (2 of 4 stars). 2 submissions from 2 submitters: Uncertain significance (2). Last evaluated 2025-09-01.

Conditions:
Cardiovascular phenotype. Identifiers: MedGen CN230736.

Submissions (2):

CeGaT Center for Human Genetics Tuebingen
Classification: Uncertain significance. Last evaluated: 2025-09-01. Review status: criteria provided, single submitter. Criteria: CeGaT Center For Human Genetics Tuebingen Variant Classification Criteria Version 2. Collection method: clinical testing. Allele origin: germline. Affected: yes. Observed: 1 variant allele.
Comment: BGN: PM2

Ambry Genetics
Classification: Uncertain significance for Cardiovascular phenotype. Last evaluated: 2022-12-14. Review status: criteria provided, single submitter. Criteria: Ambry Variant Classification Scheme 2023. Collection method: clinical testing. Allele origin: germline.
Comment: The p.I171V variant (also known as c.511A>G), located in coding exon 3 of the BGN gene, results from an A to G substitution at nucleotide position 511. The isoleucine at codon 171 is replaced by valine, an amino acid with highly similar properties. This amino acid position is conserved. In addition, the in silico prediction for this alteration is inconclusive. Since supporting evidence is limited at this time, the clinical significance of this alteration remains unclear.

NM_001711.6(BGN):c.511A>G (p.Ile171Val)

Gene: BGN (biglycan; plus strand). Cytogenetic location: Xq28.
Variant type: single nucleotide variant.
Coding change: c.511A>G on transcript NM_001711.6 (MANE Select); coding-DNA position 511, A replaced by G.
Protein change: p.Ile171Val; replaces isoleucine 171 with valine.
Molecular consequence: missense variant.
Genome position (GRCh38, 1-based): chrX:153,506,022, A>G. VCF-style: chrX-153506022-A-G. GRCh37 (hg19) VCF-style: chrX-152771480-A-G.
Other names: short protein forms I171V.
Identifiers: ClinVar variation 2450208 (VCV002450208.9), dbSNP rs2521214179, ClinGen allele CA415069847.